The following is an entry in ClinVar:

NM_005726.6(TSFM):c.795C>G (p.Pro265=)

Gene: TSFM (Ts translation elongation factor, mitochondrial; plus strand). Cytogenetic location: 12q14.1.
Variant type: single nucleotide variant.
Coding change: c.795C>G on transcript NM_005726.6 (MANE Select); coding-DNA position 795, C replaced by G.
Protein change: p.Pro265=; no amino-acid change (proline 265 retained).
Molecular consequence: synonymous variant. On other transcripts: intron variant (1), 3 prime UTR variant (1).
Genome position (GRCh38, 1-based): chr12:57,796,400, C>G. VCF-style: chr12-57796400-C-G. GRCh37 (hg19) VCF-style: chr12-58190183-C-G.
Other names: c.858C>G, p.Pro286= (NM_001172696.2); c.571+3327C>G (NM_001172697.2); c.*203C>G (NM_001172695.2).
Identifiers: ClinVar variation 1128649 (VCV001128649.22), dbSNP rs757596471, ClinGen allele CA6659449.

ClinVar aggregate classification (germline): Likely benign. Review status: criteria provided, multiple submitters, no conflicts (2 of 4 stars). 2 submissions from 2 submitters: Likely benign (2). Last evaluated 2025-02-01.

Allele frequency attached by ClinVar (database versions not stated): ExAC 0.00003; gnomAD exomes below 0.00001 and 0.00002.
gnomAD v4.1: 5 of 1,602,510 alleles (0.00031%); highest among the groups gnomAD compares: Non-Finnish European, 0.00043%; no homozygotes.

Submissions (2):

CeGaT Center for Human Genetics Tuebingen
Classification: Likely benign. Last evaluated: 2025-02-01. Review status: criteria provided, single submitter. Criteria: CeGaT Center For Human Genetics Tuebingen Variant Classification Criteria Version 2. Collection method: clinical testing. Allele origin: germline. Affected: yes. Observed: 1 variant allele.
Comment: TSFM: BP4, BP7

Labcorp Genetics (formerly Invitae), Labcorp
Classification: Likely benign. Last evaluated: 2024-05-21. Review status: criteria provided, single submitter. Criteria: Invitae Variant Classification Sherloc (09022015). Collection method: clinical testing. Allele origin: germline.